The following is an entry in ClinVar:

ClinVar aggregate classification (germline): Conflicting classifications of pathogenicity. Review status: criteria provided, conflicting classifications (1 of 4 stars). 3 submissions from 3 submitters: Uncertain significance (2); Likely benign (1). Last evaluated 2025-08-26.

Conditions:
Hereditary cancer-predisposing syndrome. Also called: Neoplastic Syndromes, Hereditary; Tumor predisposition; Hereditary Cancer Syndrome; Hereditary neoplastic syndrome. Identifiers: Orphanet 140162, MedGen C0027672, MeSH D009386, MONDO:0015356.

Allele frequency attached by ClinVar (database versions not stated): gnomAD exomes below 0.00001; ExAC 0.00001; gnomAD 0.00001.
gnomAD v4.1: 3 of 1,589,902 alleles (0.00019%); highest among the groups gnomAD compares: Admixed American, 0.005%; no homozygotes.

Submissions (3):

Quest Diagnostics Nichols Institute San Juan Capistrano
Classification: Uncertain significance. Last evaluated: 2025-08-26. Review status: criteria provided, single submitter. Criteria: Quest Diagnostics criteria. Collection method: clinical testing. Allele origin: unknown.
Comment: The RAD50 c.2207+3A>G variant has not been reported in individuals with RAD50-related conditions in the published literature. The frequency of this variant in the general population (Genome Aggregation Database) is uninformative in the assessment of its pathogenicity. Analysis of this variant using software algorithms for the prediction of the effect of nucleotide changes on splicing yielded predictions that this variant does not affect RAD50 mRNA splicing. Based on the available information, we are unable to determine the clinical significance of this variant.

Labcorp Genetics (formerly Invitae), Labcorp
Classification: Likely benign for Hereditary cancer-predisposing syndrome. Last evaluated: 2025-06-09. Review status: criteria provided, single submitter. Criteria: Invitae Variant Classification Sherloc (09022015). Collection method: clinical testing. Allele origin: germline.

Ambry Genetics
Classification: Uncertain significance for Hereditary cancer-predisposing syndrome. Last evaluated: 2024-05-06. Review status: criteria provided, single submitter. Criteria: Ambry Variant Classification Scheme 2023. Collection method: clinical testing. Allele origin: germline.
Comment: The c.2207+3A>G intronic variant results from an A to G substitution 3 nucleotides after coding exon 13 in the RAD50 gene. This nucleotide position is not well conserved in available vertebrate species. In silico splice site analysis predicts that this alteration will not have any significant effect on splicing; however, direct evidence is insufficient at this time (Ambry internal data). Since supporting evidence is limited at this time, the clinical significance of this alteration remains unclear.

NM_005732.4(RAD50):c.2207+3A>G

Gene: RAD50 (RAD50 double strand break repair protein; plus strand). Cytogenetic location: 5q31.1.
Variant type: single nucleotide variant.
Coding change: c.2207+3A>G on transcript NM_005732.4 (MANE Select); 3 bases into the intron after coding-DNA position 2207, A replaced by G.
Molecular consequence: intron variant.
Genome position (GRCh38, 1-based): chr5:132,595,813, A>G. VCF-style: chr5-132595813-A-G. GRCh37 (hg19) VCF-style: chr5-131931505-A-G.
Identifiers: ClinVar variation 457404 (VCV000457404.16), dbSNP rs781305309, ClinGen allele CA3405341.